The following is an entry in ClinVar:

NM_006767.4(LZTR1):c.792G>C (p.Thr264=)

Gene: LZTR1 (leucine zipper like post translational regulator 1; plus strand). Cytogenetic location: 22q11.21.
Variant type: single nucleotide variant.
Coding change: c.792G>C on transcript NM_006767.4 (MANE Select); coding-DNA position 792, G replaced by C.
Protein change: p.Thr264=; no amino-acid change (threonine 264 retained).
Molecular consequence: synonymous variant.
Genome position (GRCh38, 1-based): chr22:20,991,628, G>C. VCF-style: chr22-20991628-G-C. GRCh37 (hg19) VCF-style: chr22-21345917-G-C.
Identifiers: ClinVar variation 1761279 (VCV001761279.3), dbSNP rs1310529041, ClinGen allele CA513490945.

ClinVar aggregate classification (germline): Conflicting classifications of pathogenicity. Review status: criteria provided, conflicting classifications (1 of 4 stars). 2 submissions from 2 submitters: Uncertain significance (1); Likely benign (1). Last evaluated 2025-10-18.

Conditions:
Hereditary cancer-predisposing syndrome. Also called: Neoplastic Syndromes, Hereditary; Tumor predisposition; Hereditary Cancer Syndrome; Hereditary neoplastic syndrome. Identifiers: Orphanet 140162, MedGen C0027672, MeSH D009386, MONDO:0015356.
Cardiovascular phenotype. Identifiers: MedGen CN230736.

Allele frequency attached by ClinVar (database versions not stated): TOPMed below 0.00001; gnomAD 0.00001.
gnomAD v4.1: 1 of 1,584,862 alleles (0.000063%); highest among the groups gnomAD compares: South Asian, 0.0011%; no homozygotes.

Submissions (2):

Labcorp Genetics (formerly Invitae), Labcorp
Classification: Uncertain significance. Last evaluated: 2025-10-18. Review status: criteria provided, single submitter. Criteria: Invitae Variant Classification Sherloc (09022015). Collection method: clinical testing. Allele origin: germline.
Comment: This sequence change affects codon 264 of the LZTR1 mRNA. It is a 'silent' change, meaning that it does not change the encoded amino acid sequence of the LZTR1 protein. It affects a nucleotide within the consensus splice site. This variant is present in population databases (no rsID available, gnomAD 0.01%). This variant has not been reported in the literature in individuals affected with LZTR1-related conditions. ClinVar contains an entry for this variant (Variation ID: 1761279). Algorithms developed to predict the effect of sequence changes on RNA splicing suggest that this variant is not likely to affect RNA splicing. In summary, the available evidence is currently insufficient to determine the role of this variant in disease. Therefore, it has been classified as a Variant of Uncertain Significance.

Ambry Genetics
Classification: Likely benign for Cardiovascular phenotype; Hereditary cancer-predisposing syndrome. Last evaluated: 2021-01-12. Review status: criteria provided, single submitter. Criteria: Ambry Variant Classification Scheme 2023. Collection method: clinical testing. Allele origin: germline.